The following is an entry in ClinVar:

NM_018052.5(VAC14):c.1420G>A (p.Ala474Thr)

Gene: VAC14 (VAC14 component of PIKFYVE complex; minus strand). Cytogenetic location: 16q22.1.
Variant type: single nucleotide variant.
Coding change: c.1420G>A on transcript NM_018052.5 (MANE Select); coding-DNA position 1420, G replaced by A.
Protein change: p.Ala474Thr; replaces alanine 474 with threonine.
Molecular consequence: missense variant.
Genome position (GRCh38, 1-based): chr16:70,744,531, C>T on the plus strand (G>A on the coding strand, the complement: VAC14 is on the minus strand). VCF-style: chr16-70744531-C-T. GRCh37 (hg19) VCF-style: chr16-70778434-C-T.
Other names: c.718G>A, p.Ala240Thr (NM_001351157.2); c.1420G>A (NM_018052.3); short protein forms A474T, A240T.
Identifiers: ClinVar variation 1506145 (VCV001506145.7), dbSNP rs770285832, ClinGen allele CA8147642.

ClinVar aggregate classification (germline): Uncertain significance. Review status: criteria provided, multiple submitters, no conflicts (2 of 4 stars). 2 submissions from 2 submitters: Uncertain significance (2). Last evaluated 2025-12-08.

Conditions:
Inborn genetic diseases. Identifiers: MedGen C0950123, MeSH D030342.

Allele frequency attached by ClinVar (database versions not stated): TOPMed 0.00003; gnomAD 0.00005 and 0.00006.
gnomAD v4.1: 100 of 1,610,886 alleles (0.0062%); highest among the groups gnomAD compares: Middle Eastern, 0.017%; no homozygotes.

Submissions (2):

Labcorp Genetics (formerly Invitae), Labcorp
Classification: Uncertain significance. Last evaluated: 2025-12-08. Review status: criteria provided, single submitter. Criteria: Invitae Variant Classification Sherloc (09022015). Collection method: clinical testing. Allele origin: germline.
Comment: This sequence change replaces alanine, which is neutral and non-polar, with threonine, which is neutral and polar, at codon 474 of the VAC14 protein (p.Ala474Thr). This variant is present in population databases (rs770285832, gnomAD 0.01%). This variant has not been reported in the literature in individuals affected with VAC14-related conditions. ClinVar contains an entry for this variant (Variation ID: 1506145). An algorithm developed to predict the effect of missense changes on protein structure and function (PolyPhen-2) suggests that this variant is likely to be tolerated. In summary, the available evidence is currently insufficient to determine the role of this variant in disease. Therefore, it has been classified as a Variant of Uncertain Significance.

Ambry Genetics
Classification: Uncertain significance for Inborn genetic diseases. Last evaluated: 2025-06-26. Review status: criteria provided, single submitter. Criteria: Ambry Variant Classification Scheme 2023. Collection method: clinical testing. Allele origin: germline.